The following is an entry in ClinVar:

ClinVar aggregate classification (germline): Likely pathogenic (1 of 4 stars; one submission).

Conditions:
Infertility associated with multi-tailed spermatozoa and excessive DNA (SPGF5). Also called: Male Infertility with Large-Headed, Multiflagellar, Polyploid Spermatozoa; spermatogenic failure 5. Identifiers: Orphanet 137893, MedGen C0403812, MONDO:0009461, OMIM 243060.

Submission:

First Genomix Gene Laboratory, Genetic Diagnostics Department
Classification: Likely pathogenic for Infertility associated with multi-tailed spermatozoa and excessive DNA. Last evaluated: 2025-07-30. Review status: criteria provided, single submitter. Criteria: ACMG Guidelines, 2015. Collection method: clinical testing. Allele origin: germline. Inheritance: Autosomal recessive inheritance. Affected: no. Observed: 1 variant allele.

NM_001015878.2(AURKC):c.94_101del (p.Ser32fs)

Gene: AURKC (aurora kinase C; plus strand). Cytogenetic location: 19q13.43.
Variant type: Microsatellite.
Coding change: c.94_101del on transcript NM_001015878.2 (MANE Select); coding-DNA positions 94 to 101, 8 bases deleted (AGCCCAGC; older notation c.94_101delAGCCCAGC).
Protein change: p.Ser32fs; shifts the reading frame from serine 32.
Molecular consequence: frameshift variant. On other transcripts: 5 prime UTR variant (1).
Genome position (GRCh38, 1-based): chr19:57,231,777-57,231,784, AGCCCAGC deleted; deleting any 8 consecutive bases within chr19:57,231,760-57,231,784 gives the same sequence; the c. name uses the placement nearest the transcript's 3' end. VCF-style (leftmost placement, unchanged base first): chr19-57231759-ACAGCCCAG-A. GRCh37 (hg19) VCF-style: chr19-57743127-ACAGCCCAG-A.
Other names: c.37_44del, p.Ser13fs (NM_001015879.2); c.-25AGCCCAGC[2] (NM_003160.3); short protein forms S32fs, S13fs.
Identifiers: ClinVar variation 4850651 (VCV004850651.1), dbSNP rs749123022.
Genomic context (GRCh38, chr19:57,231,759, plus strand): 5'-CTCCCCTCTCCCTTCCTATCTCCCTCCTCCTCCTCTCTTTCAGTGGCTACAGCAAACCAA[ACAGCCCAG>A]CAGCCCAGCAGCCCAGCCATGTGAGTCCCTTGGGATTGGTATCTGGAAAAGGAAGGAAGG-3'